The following is an entry in ClinVar:

ClinVar aggregate classification (germline): Uncertain significance. Review status: criteria provided, multiple submitters, no conflicts (2 of 4 stars). 2 submissions from 2 submitters: Uncertain significance (2). Last evaluated 2024-04-26.

Allele frequency attached by ClinVar (database versions not stated): gnomAD 0.00001; ExAC 0.00002; gnomAD exomes 0.00002.

Submissions (2):

Blueprint Genetics
Classification: Uncertain significance. Last evaluated: 2024-04-26. Review status: criteria provided, single submitter. Criteria: ACMG Guidelines, 2015. Collection method: clinical testing. Allele origin: germline.

Labcorp Genetics (formerly Invitae), Labcorp
Classification: Uncertain significance. Last evaluated: 2023-07-14. Review status: criteria provided, single submitter. Criteria: Invitae Variant Classification Sherloc (09022015). Collection method: clinical testing. Allele origin: germline.
Comment: This variant has not been reported in the literature in individuals affected with CEP250-related conditions. This sequence change replaces arginine, which is basic and polar, with tryptophan, which is neutral and slightly polar, at codon 826 of the CEP250 protein (p.Arg826Trp). This variant is present in population databases (rs756221157, gnomAD 0.003%). In summary, the available evidence is currently insufficient to determine the role of this variant in disease. Therefore, it has been classified as a Variant of Uncertain Significance. An algorithm developed to predict the effect of missense changes on protein structure and function (PolyPhen-2) suggests that this variant is likely to be tolerated. ClinVar contains an entry for this variant (Variation ID: 1350459).

NM_007186.6(CEP250):c.2476C>T (p.Arg826Trp)

Genes: CEP250 (centrosomal protein 250; plus strand), CEP250-AS1 (CEP250 antisense RNA 1; minus strand). Cytogenetic location: 20q11.22.
Variant type: single nucleotide variant.
Coding change: c.2476C>T on transcript NM_007186.6 (MANE Select); coding-DNA position 2476, C replaced by T.
Protein change: p.Arg826Trp; replaces arginine 826 with tryptophan.
Molecular consequence: missense variant.
Genome position (GRCh38, 1-based): chr20:35,480,035, C>T. VCF-style: chr20-35480035-C-T. GRCh37 (hg19) VCF-style: chr20-34067860-C-T.
Other names: c.580C>T, p.Arg194Trp (NM_001318219.1); short protein forms R194W, R826W.
Identifiers: ClinVar variation 1350459 (VCV001350459.7), dbSNP rs756221157, ClinGen allele CA9833199.